The following is an entry in ClinVar:

ClinVar aggregate classification (germline): Uncertain significance (1 of 4 stars; one submission).

Conditions:
UGT1A1-related disorder. Also called: UGT1A1-related disorders; UGT1A1-related condition.

Submission:

PreventionGenetics, part of Exact Sciences
Classification: Uncertain significance for UGT1A1-related condition. Last evaluated: 2026-06-26. Review status: criteria provided, single submitter. Criteria: ACMG Guidelines, 2015. Collection method: clinical testing. Allele origin: germline.
Comment: The UGT1A1 c.1568delG variant is predicted to result in a frameshift and premature protein termination (p.Arg523Glnfs*22). To our knowledge, this variant has not been reported in the literature or in a large population database (gnomAD), indicating this variant is rare. Loss-of-function variants are known to be pathogenic. However this variant resides in the last exon, is not predicted to result in nonsense mediated decay and downstream loss-of-function variant has not been reported yet. Alternative protein truncation at this codon (p.Arg523*) has been reported along with homozygous risk variant c.-41_-40dupTA in an neonate with Crigler–Najjar Type II Syndrome; this individual had also two pathogenic variants in PKLR gene (responsible for severe and mild phenotype respectively), with PK activity at the lowest value of the normal range (Minucci. 2015. PubMed ID: 25822733). Although we suspect that the p.Arg523Glnfs*22 variant may be pathogenic, at this time, the clinical significance of this variant is uncertain due to the absence of conclusive functional and genetic evidence.

NM_000463.3(UGT1A1):c.1568del (p.Arg523fs)

Genes: UGT1A (UDP glucuronosyltransferase family 1 member A complex locus; plus strand), UGT1A1 (UDP glucuronosyltransferase family 1 member A1; plus strand), UGT1A10 (UDP glucuronosyltransferase family 1 member A10; plus strand), UGT1A3 (UDP glucuronosyltransferase family 1 member A3; plus strand), UGT1A4 (UDP glucuronosyltransferase family 1 member A4; plus strand) and 5 more. Cytogenetic location: 2q37.1.
Variant type: Deletion.
Coding change: c.1568del on transcript NM_000463.3 (MANE Select); coding-DNA position 1568, one base deleted (G; older notation c.1568delG).
Protein change: p.Arg523fs; shifts the reading frame from arginine 523.
Molecular consequence: frameshift variant.
Genome position (GRCh38, 1-based): chr2:233,772,525, G deleted. VCF-style (leftmost placement, unchanged base first): chr2-233772524-CG-C. GRCh37 (hg19) VCF-style: chr2-234681170-CG-C.
Other names: c.1559del, p.Arg520fs (NM_019075.4, NM_019076.5, NM_019077.3 and 1 more transcripts); c.1565del, p.Arg522fs (NM_001072.4); c.764del, p.Arg255fs (NM_205862.3); c.1571del, p.Arg524fs (NM_019078.2, NM_007120.3, NM_019093.4); short protein forms R255fs, R522fs, R524fs, R523fs, R520fs.
Identifiers: ClinVar variation 4996515 (VCV004996515.1).